The following is an entry in ClinVar:

NM_000540.3(RYR1):c.12779ACGAGG[3] (p.4260DE[3])

Gene: RYR1 (ryanodine receptor 1; plus strand). Cytogenetic location: 19q13.2.
Variant type: Microsatellite.
Coding change: c.12779ACGAGG[3] on transcript NM_000540.3 (MANE Select); three copies in a row of the 6-base unit ACGAGG starting at c.12779; the reference has two copies in a row; one copy, 6 bases duplicated; also written c.12785_12790dup.
Protein change: p.4260DE[3].
Molecular consequence: inframe insertion.
Genome position (GRCh38, 1-based): chr19:38,565,119-38,565,124, ACGAGG duplicated; duplicating any 6 consecutive bases within chr19:38,565,112-38,565,124 gives the same sequence; the position shown is the placement nearest the transcript's 3' end. VCF-style (leftmost placement, unchanged base first): chr19-38565111-C-CGACGAG. GRCh37 (hg19) VCF-style: chr19-39055751-C-CGACGAG.
Other names: c.12764ACGAGG[3], p.4255DE[3] (NM_001042723.2); c.12785_12790dup (NM_000540.3).
Identifiers: ClinVar variation 590414 (VCV000590414.12), dbSNP rs746833347, ClinGen allele CA9415938.

ClinVar aggregate classification (germline): Uncertain significance. Review status: criteria provided, multiple submitters, no conflicts (2 of 4 stars). 5 submissions from 5 submitters: Uncertain significance (5). Last evaluated 2025-10-15.

Conditions:
RYR1-related disorder. Also called: RYR1-related condition; RYR1-related disorders. Identifiers: MedGen CN239331.
Congenital multicore myopathy with external ophthalmoplegia (CMYO1B). Also called: Congenital myopathy 1B, autosomal recessive; Minicore myopathy; MULTIMINICORE DISEASE WITH EXTERNAL OPHTHALMOPLEGIA; MULTICORE MYOPATHY; Minicore myopathy with external ophthalmoplegia. Identifiers: Orphanet 598, Orphanet 98905, MedGen C1850674, MONDO:0009712, OMIM 255320, HP:0003789.
Central core myopathy (CMYO1A). Also called: CONGENITAL MYOPATHY 1A, AUTOSOMAL DOMINANT, WITH SUSCEPTIBILITY TO MALIGNANT HYPERTHERMIA; Central core disease; Myopathy, central fibrillar. Identifiers: Orphanet 597, MedGen C5830701, MONDO:0007294, OMIM 117000.
Congenital myopathy with fiber type disproportion. Also called: Congenital fiber-type disproportion; Congenital fiber-type disproportion myopathy. Identifiers: Orphanet 2020, MedGen C0546264, MONDO:0009711. Inheritance: all.
King Denborough syndrome (KDS). Identifiers: MedGen C1840365, MONDO:0020485, OMIM 619542.
Malignant hyperthermia, susceptibility to, 1 (MHS1). Also called: Malignant hyperthermia suceptibility 1; Anesthesia related hyperthermia; Malignant hyperpyrexia; Fulminating hyperpyrexia; Pharmacogenic myopathy; RYR1-Related Malignant Hyperthermia Susceptibility. Identifiers: Orphanet 423, MedGen C2930980, MONDO:0007783, OMIM 145600.

Submissions (5):

PreventionGenetics, part of Exact Sciences
Classification: Uncertain significance for RYR1-related condition. Last evaluated: 2025-10-15. Review status: criteria provided, single submitter. Criteria: ACMG Guidelines, 2015. Collection method: clinical testing. Allele origin: germline.
Comment: The RYR1 c.12785_12790dup6 variant is predicted to result in an in-frame duplication (p.Asp4262_Glu4263dup). This variant has been reported in a cohort of individuals with RYR1-related myopathies; however, detailed clinical information was not available (Table S2, Kushnir et al. 2020. PubMed ID: 32236737). This variant is reported in 0.050% of alleles in individuals of African descent in gnomAD. At this time, the clinical significance of this variant is uncertain due to the absence of conclusive functional and genetic evidence.

Labcorp Genetics (formerly Invitae), Labcorp
Classification: Uncertain significance for RYR1-related disorder. Last evaluated: 2025-01-23. Review status: criteria provided, single submitter. Criteria: Invitae Variant Classification Sherloc (09022015). Collection method: clinical testing. Allele origin: germline.
Comment: This variant, c.12785_12790dup, results in the insertion of 2 amino acid(s) of the RYR1 protein (p.Asp4262_Glu4263dup), but otherwise preserves the integrity of the reading frame. This variant is present in population databases (rs771046701, gnomAD 0.05%). This variant has been observed in individual(s) with myopathy (PMID: 32236737). ClinVar contains an entry for this variant (Variation ID: 590414). Experimental studies and prediction algorithms are not available or were not evaluated, and the functional significance of this variant is currently unknown. In summary, the available evidence is currently insufficient to determine the role of this variant in disease. Therefore, it has been classified as a Variant of Uncertain Significance.

Revvity Omics, Revvity
Classification: Uncertain significance. Last evaluated: 2022-03-15. Review status: criteria provided, single submitter. Criteria: ACMG Guidelines, 2015. Collection method: clinical testing. Allele origin: germline.

Fulgent Genetics
Classification: Uncertain significance for Central core myopathy; Malignant hyperthermia, susceptibility to, 1; Congenital myopathy 4A, autosomal dominant; Congenital multicore myopathy with external ophthalmoplegia; King Denborough syndrome. Last evaluated: 2021-10-07. Review status: criteria provided, single submitter. Criteria: ACMG Guidelines, 2015. Collection method: clinical testing. Allele origin: unknown.

GeneDx
Classification: Uncertain significance. Last evaluated: 2021-01-07. Review status: criteria provided, single submitter. Criteria: GeneDx Variant Classification Process June 2021. Collection method: clinical testing. Allele origin: germline. Affected: yes.
Comment: In-frame insertion of 2 amino acids in a non-repeat region; Has not been previously published as pathogenic or benign to our knowledge

Literature cited by the submitters: PubMed 32236737 (cited by Labcorp Genetics (formerly Invitae), Labcorp).